The following is an entry in ClinVar:

ClinVar aggregate classification (germline): Uncertain significance. Review status: criteria provided, multiple submitters, no conflicts (2 of 4 stars). 2 submissions from 2 submitters: Uncertain significance (2). Last evaluated 2025-08-31.

Conditions:
Cardiovascular phenotype. Identifiers: MedGen CN230736.

Allele frequency attached by ClinVar (database versions not stated): ExAC 0.00002.
gnomAD v4.1: 8 of 1,592,020 alleles (0.0005%); highest among the groups gnomAD compares: Non-Finnish European, 0.00068%; no homozygotes.

Submissions (2):

Labcorp Genetics (formerly Invitae), Labcorp
Classification: Uncertain significance. Last evaluated: 2025-08-31. Review status: criteria provided, single submitter. Criteria: Invitae Variant Classification Sherloc (09022015). Collection method: clinical testing. Allele origin: germline.
Comment: This sequence change replaces arginine, which is basic and polar, with glycine, which is neutral and non-polar, at codon 95 of the LOX protein (p.Arg95Gly). This variant is not present in population databases (gnomAD no frequency). This variant has not been reported in the literature in individuals affected with LOX-related conditions. ClinVar contains an entry for this variant (Variation ID: 1428804). Invitae Evidence Modeling of protein sequence and biophysical properties (such as structural, functional, and spatial information, amino acid conservation, physicochemical variation, residue mobility, and thermodynamic stability) indicates that this missense variant is not expected to disrupt LOX protein function with a negative predictive value of 95%. In summary, the available evidence is currently insufficient to determine the role of this variant in disease. Therefore, it has been classified as a Variant of Uncertain Significance.

Ambry Genetics
Classification: Uncertain significance for Cardiovascular phenotype. Last evaluated: 2023-12-30. Review status: criteria provided, single submitter. Criteria: Ambry Variant Classification Scheme 2023. Collection method: clinical testing. Allele origin: germline.
Comment: The p.R95G variant (also known as c.283C>G), located in coding exon 1 of the LOX gene, results from a C to G substitution at nucleotide position 283. The arginine at codon 95 is replaced by glycine, an amino acid with dissimilar properties. This amino acid position is conserved. In addition, this alteration is predicted to be tolerated by in silico analysis. Since supporting evidence is limited at this time, the clinical significance of this alteration remains unclear.

NM_002317.7(LOX):c.283C>G (p.Arg95Gly)

Genes: LOX (lysyl oxidase; minus strand), SRFBP1 (serum response factor binding protein 1; plus strand). Cytogenetic location: 5q23.1.
Variant type: single nucleotide variant.
Coding change: c.283C>G on transcript NM_002317.7 (MANE Select); coding-DNA position 283, C replaced by G.
Protein change: p.Arg95Gly; replaces arginine 95 with glycine.
Molecular consequence: missense variant.
Genome position (GRCh38, 1-based): chr5:122,077,703, G>C on the plus strand (C>G on the coding strand, the complement: LOX is on the minus strand). VCF-style: chr5-122077703-G-C. GRCh37 (hg19) VCF-style: chr5-121413398-G-C.
Other names: c.283C>G (NM_002317.5); short protein forms R95G.
Identifiers: ClinVar variation 1428804 (VCV001428804.7), dbSNP rs767792972, ClinGen allele CA3384078.